The following is an entry in ClinVar:

ClinVar aggregate classification (germline): Uncertain significance (1 of 4 stars; one submission).

Submission:

Ambry Genetics
Classification: Uncertain significance. Last evaluated: 2024-08-18. Review status: criteria provided, single submitter. Criteria: Ambry Variant Classification Scheme 2023. Collection method: clinical testing. Allele origin: germline.
Comment: The p.A704T variant (also known as c.2110G>A), located in coding exon 18 of the RAD54L gene, results from a G to A substitution at nucleotide position 2110. The alanine at codon 704 is replaced by threonine, an amino acid with similar properties. This amino acid position is conserved. In addition, this alteration is predicted to be tolerated by in silico analysis. Based on the available evidence, the clinical significance of this variant remains unclear.

NM_003579.4(RAD54L):c.2110G>A (p.Ala704Thr)

Genes: LRRC41 (leucine rich repeat containing 41; minus strand), RAD54L (RAD54 like; plus strand). Cytogenetic location: 1p34.1.
Variant type: single nucleotide variant.
Coding change: c.2110G>A on transcript NM_003579.4 (MANE Select); coding-DNA position 2110, G replaced by A.
Protein change: p.Ala704Thr; replaces alanine 704 with threonine.
Molecular consequence: missense variant. On other transcripts: 3 prime UTR variant (1).
Genome position (GRCh38, 1-based): chr1:46,278,148, G>A. VCF-style: chr1-46278148-G-A. GRCh37 (hg19) VCF-style: chr1-46743820-G-A.
Other names: c.*717C>T (NM_006369.5); c.2110G>A, p.Ala704Thr (NM_001142548.2); c.1570G>A, p.Ala524Thr (NM_001370766.1); short protein forms A704T, A524T.
Identifiers: ClinVar variation 3429805 (VCV003429805.1).